The following is an entry in ClinVar:

NM_001367624.2(ZNF469):c.4526C>T (p.Pro1509Leu)

Gene: ZNF469 (zinc finger protein 469; plus strand). Cytogenetic location: 16q24.2.
Variant type: single nucleotide variant.
Coding change: c.4526C>T on transcript NM_001367624.2 (MANE Select); coding-DNA position 4526, C replaced by T.
Protein change: p.Pro1509Leu; replaces proline 1509 with leucine.
Molecular consequence: missense variant.
Genome position (GRCh38, 1-based): chr16:88,431,996, C>T. VCF-style: chr16-88431996-C-T. GRCh37 (hg19) VCF-style: chr16-88498404-C-T.
Other names: short protein forms P1509L.
Identifiers: ClinVar variation 1941920 (VCV001941920.2), dbSNP rs555452824, ClinGen allele CA8224969.

ClinVar aggregate classification (germline): Uncertain significance (1 of 4 stars; one submission).

Allele frequency attached by ClinVar (database versions not stated): TOPMed below 0.00001; gnomAD 0.00002; gnomAD exomes 0.00002; ExAC 0.00015; 1000 Genomes Project 30x 0.00031; 1000 Genomes Project 0.00040.
gnomAD v4.1: 25 of 1,549,898 alleles (0.0016%); highest among the groups gnomAD compares: South Asian, 0.0071%; no homozygotes.

Submission:

Labcorp Genetics (formerly Invitae), Labcorp
Classification: Uncertain significance. Last evaluated: 2021-12-25. Review status: criteria provided, single submitter. Criteria: Invitae Variant Classification Sherloc (09022015). Collection method: clinical testing. Allele origin: germline.
Comment: This sequence change replaces proline, which is neutral and non-polar, with leucine, which is neutral and non-polar, at codon 1481 of the ZNF469 protein (p.Pro1481Leu). This variant is present in population databases (rs555452824, gnomAD 0.01%). This variant has not been reported in the literature in individuals affected with ZNF469-related conditions. Algorithms developed to predict the effect of missense changes on protein structure and function are either unavailable or do not agree on the potential impact of this missense change (SIFT: "Deleterious"; PolyPhen-2: "Probably Damaging"; Align-GVGD: "Class C0"). In summary, the available evidence is currently insufficient to determine the role of this variant in disease. Therefore, it has been classified as a Variant of Uncertain Significance.